The following is an entry in ClinVar:

ClinVar aggregate classification (germline): Uncertain significance. Review status: criteria provided, multiple submitters, no conflicts (2 of 4 stars). 2 submissions from 2 submitters: Uncertain significance (2). Last evaluated 2026-04-28.

Conditions:
TGM5-related disorder. Also called: TGM5-related condition.

Allele frequency attached by ClinVar (database versions not stated): ExAC 0.00003; gnomAD 0.00004; gnomAD exomes 0.00005; TOPMed 0.00005; ESP Exome Variant Server 0.00008.
gnomAD v4.1: 84 of 1,614,056 alleles (0.0052%); highest among the groups gnomAD compares: East Asian, 0.0067%; no homozygotes.

Submissions (2):

PreventionGenetics, part of Exact Sciences
Classification: Uncertain significance for TGM5-related condition. Last evaluated: 2026-04-28. Review status: criteria provided, single submitter. Criteria: ACMG Guidelines, 2015. Collection method: clinical testing. Allele origin: germline.
Comment: The TGM5 c.919G>A variant is predicted to result in the amino acid substitution p.Asp307Asn. To our knowledge, this variant has not been reported in the literature. This variant is reported in 0.030% of alleles in individuals of East Asian descent in gnomAD. At this time, the clinical significance of this variant is uncertain due to the absence of conclusive functional and genetic evidence.

GeneDx
Classification: Uncertain significance. Last evaluated: 2016-11-28. Review status: criteria provided, single submitter. Criteria: GeneDx Variant Classification (06012015). Collection method: clinical testing. Allele origin: germline. Affected: yes.
Comment: The D307N variant in the TGM5 gene has not been reported previously as a pathogenic germline variant, nor as a benign variant. It was not observed at any significant frequency in approximately 6,500 individuals of European and African American ancestry by the NHLBI Exome Sequencing Project. D307N is a semi-conservative amino acid substitution, which may impact secondary protein structure as these residues differ in some properties. This substitution occurs at a position that is conserved across species and in silico analysis predicts this variant is probably damaging to the protein structure/function. We interpret D307N as a variant of uncertain significance.

NM_201631.4(TGM5):c.919G>A (p.Asp307Asn)

Gene: TGM5 (transglutaminase 5; minus strand). Cytogenetic location: 15q15.2.
Variant type: single nucleotide variant.
Coding change: c.919G>A on transcript NM_201631.4 (MANE Select); coding-DNA position 919, G replaced by A.
Protein change: p.Asp307Asn; replaces aspartic acid 307 with asparagine.
Molecular consequence: missense variant.
Genome position (GRCh38, 1-based): chr15:43,240,934, C>T on the plus strand (G>A on the coding strand, the complement: TGM5 is on the minus strand). VCF-style: chr15-43240934-C-T. GRCh37 (hg19) VCF-style: chr15-43533132-C-T.
Other names: c.673G>A, p.Asp225Asn (NM_004245.4); short protein forms D307N, D225N.
Identifiers: ClinVar variation 373486 (VCV000373486.2), dbSNP rs373144727, ClinGen allele CA7521148.
Genomic context (GRCh38, chr15:43,240,934, plus strand): 5'-TCCCCAAAATCCTGCCTGTGTTGTCATAATACTCATCTATGATCAGGTTTCCATCTGTAT[C>T]GTGGCCAGAGTCGAAGTTGGTGATCACACGGGTAGGGATCCCCAGACACCTCATCACTGC-3'
Protein context (NP_963925.2, residues 297-317): RVITNFDSGH[Asp307Asn]TDGNLIIDEY